The following is an entry in ClinVar:

NM_003737.4(DCHS1):c.8383G>A (p.Ala2795Thr)

Gene: DCHS1 (dachsous cadherin-related 1; minus strand). Cytogenetic location: 11p15.4.
Variant type: single nucleotide variant.
Coding change: c.8383G>A on transcript NM_003737.4 (MANE Select); coding-DNA position 8383, G replaced by A.
Protein change: p.Ala2795Thr; replaces alanine 2795 with threonine.
Molecular consequence: missense variant.
Genome position (GRCh38, 1-based): chr11:6,623,293, C>T on the plus strand (G>A on the coding strand, the complement: DCHS1 is on the minus strand). VCF-style: chr11-6623293-C-T. GRCh37 (hg19) VCF-style: chr11-6644524-C-T.
Other names: short protein forms A2795T.
Identifiers: ClinVar variation 2913434 (VCV002913434.3), dbSNP rs1443582085, ClinGen allele CA379481141.

ClinVar aggregate classification (germline): Uncertain significance (1 of 4 stars; one submission).

Allele frequency attached by ClinVar (database versions not stated): gnomAD 0.00001; gnomAD exomes 0.00001; TOPMed 0.00001.
gnomAD v4.1: 5 of 1,588,686 alleles (0.00031%); highest among the groups gnomAD compares: Non-Finnish European, 0.00043%; no homozygotes.

Submission:

Labcorp Genetics (formerly Invitae), Labcorp
Classification: Uncertain significance. Last evaluated: 2025-12-16. Review status: criteria provided, single submitter. Criteria: Invitae Variant Classification Sherloc (09022015). Collection method: clinical testing. Allele origin: germline.
Comment: This sequence change replaces alanine, which is neutral and non-polar, with threonine, which is neutral and polar, at codon 2795 of the DCHS1 protein (p.Ala2795Thr). This variant is not present in population databases (gnomAD no frequency). This variant has not been reported in the literature in individuals affected with DCHS1-related conditions. ClinVar contains an entry for this variant (Variation ID: 2913434). Invitae Evidence Modeling of protein sequence and biophysical properties (such as structural, functional, and spatial information, amino acid conservation, physicochemical variation, residue mobility, and thermodynamic stability) indicates that this missense variant is expected to disrupt DCHS1 protein function with a positive predictive value of 80%. In summary, the available evidence is currently insufficient to determine the role of this variant in disease. Therefore, it has been classified as a Variant of Uncertain Significance.